The following is an entry in ClinVar:

NM_003036.4(SKI):c.83C>G (p.Ser28Cys)

Gene: SKI (SKI proto-oncogene; plus strand). Cytogenetic location: 1p36.33.
Variant type: single nucleotide variant.
Coding change: c.83C>G on transcript NM_003036.4 (MANE Select); coding-DNA position 83, C replaced by G.
Protein change: p.Ser28Cys; replaces serine 28 with cysteine.
Molecular consequence: missense variant.
Genome position (GRCh38, 1-based): chr1:2,228,849, C>G. VCF-style: chr1-2228849-C-G. GRCh37 (hg19) VCF-style: chr1-2160288-C-G.
Other names: short protein forms S28C.
Identifiers: ClinVar variation 3900621 (VCV003900621.1).

ClinVar aggregate classification (germline): Uncertain significance (1 of 4 stars; one submission).

Conditions:
Shprintzen-Goldberg syndrome (SGS). Also called: SHPRINTZEN-GOLDBERG CRANIOSYNOSTOSIS SYNDROME; CRANIOSYNOSTOSIS WITH ARACHNODACTYLY AND ABDOMINAL HERNIAS; Marfanoid disorder with craniosynostosis type 1; Marfanoid craniosynostosis syndrome; Shprintzen-Goldberg marfanoid syndrome. Identifiers: Orphanet 2462, MedGen C1321551, MONDO:0008426, OMIM 182212.

Submission:

Genomics, Clalit Research Institute, Clalit Health Care
Classification: Uncertain significance for Shprintzen-Goldberg syndrome. Last evaluated: 2024-01-01. Review status: criteria provided, single submitter. Criteria: ACMG Guidelines, 2015. Collection method: clinical testing. Allele origin: germline. Inheritance: Autosomal dominant inheritance. Affected: yes.
Comment: Frequency: The variant is absent from the gnomAD reference population dataset. Prediction tools: REVEL predicts an uncertain impact on the gene or gene product (score 0.51). Variant site: Located in a mutational hot spot and/or critical and well-established functional domain (e.g. active site of enzyme) without benign variation. Variant type: The variant is a novel missense change at an amino acid residue where a different missense change determined to be pathogenic has been seen before (VCV002202692.2).